The following is an entry in ClinVar:

NC_000009.12:g.(?_137713342)_(138334718_?)del

Genes: CACNA1B (calcium voltage-gated channel subunit alpha1 B; plus strand), CACNA1B-AS1 (CACNA1B antisense RNA 1; minus strand), CACNA1B-AS2 (CACNA1B antisense RNA 2; minus strand), EHMT1 (euchromatic histone lysine methyltransferase 1; plus strand), FAM157B (family with sequence similarity 157 member B; plus strand) and 20 more. Cytogenetic location: 9q34.3.
Variant type: Deletion.
Identifiers: ClinVar variation 3777726 (VCV003777726.1).

ClinVar aggregate classification (germline): Pathogenic (1 of 4 stars; one submission).

Conditions:
Kleefstra syndrome 1 (KLEFS1). Identifiers: Orphanet 261494, MedGen C0795833, MONDO:0027407, OMIM 610253.

Submission:

Pediatrics, Sichuan Provincial Hospital For Women And Children
Classification: Pathogenic for Kleefstra syndrome 1. Last evaluated: 2025-02-25. Review status: criteria provided, single submitter. Criteria: ACMG/ClinGen CNV Guidelines, 2019. Collection method: clinical testing. Allele origin: de novo. Inheritance: Autosomal dominant inheritance. Affected: yes. Observed: 1 hemizygote.
Comment: This region significantly overlaps with haploinsufficiency-sensitive regions/genes. The deletion encompasses EHMT1 (NM_024757.5), including exon 3 to the 3' untranslated region (UTR). Deletions in this region or its associated genes have been documented in scientific literature or databases and were identified as de novo (newly occurring) in patients with related clinical phenotypes. Decipher Database (ID: 280258): Coordinates: chr9:137808922-137822008 Classification: De novo deletion, pathogenic Clinical features: Autism spectrum disorder, moderate global developmental delay. ClinVar Database (Variant ID: 57197): Coordinates: chr9:137778047-137818152 Classification: De novo deletion, pathogenic Clinical features: Global developmental delay. This specific deletion is not reported in the gold-standard datasets of the Database of Genomic Variants (DGV).